The following is an entry in ClinVar:

NM_001130438.3(SPTAN1):c.2316C>G (p.Pro772=)

Gene: SPTAN1 (spectrin alpha, non-erythrocytic 1; plus strand). Cytogenetic location: 9q34.11.
Variant type: single nucleotide variant.
Coding change: c.2316C>G on transcript NM_001130438.3 (MANE Select); coding-DNA position 2316, C replaced by G.
Protein change: p.Pro772=; no amino-acid change (proline 772 retained).
Molecular consequence: synonymous variant.
Genome position (GRCh38, 1-based): chr9:128,584,404, C>G. VCF-style: chr9-128584404-C-G. GRCh37 (hg19) VCF-style: chr9-131346683-C-G.
Other names: c.2316C>G, p.Pro772= (NM_001195532.2, NM_001363759.2, NM_001363765.2 and 5 more transcripts); c.2352C>G, p.Pro784= (NM_001375312.2, NM_001375318.1).
Identifiers: ClinVar variation 1100756 (VCV001100756.33), dbSNP rs2131162953, ClinGen allele CA467484351.

ClinVar aggregate classification (germline): Likely benign. Review status: criteria provided, multiple submitters, no conflicts (2 of 4 stars). 2 submissions from 2 submitters: Likely benign (2). Last evaluated 2022-07-01.

Conditions:
Early-infantile DEE. Also called: Early infantile epileptic encephalopathy; Ohtahara syndrome; Early infantile epileptic encephalopathy with suppression bursts. Identifiers: Orphanet 1934, MedGen C0393706, MONDO:0800491.

Allele frequency attached by ClinVar (database versions not stated): gnomAD exomes below 0.00001.
gnomAD v4.1: 1 of 1,614,134 alleles (0.000062%); highest among the groups gnomAD compares: Non-Finnish European, 0.000085%; no homozygotes.

Submissions (2):

CeGaT Center for Human Genetics Tuebingen
Classification: Likely benign. Last evaluated: 2022-07-01. Review status: criteria provided, single submitter. Criteria: CeGaT Center For Human Genetics Tuebingen Variant Classification Criteria Version 2. Collection method: clinical testing. Allele origin: germline. Affected: yes. Observed: 1 variant allele.
Comment: SPTAN1: PM2:Supporting, BP4, BP7

Labcorp Genetics (formerly Invitae), Labcorp
Classification: Likely benign for Early-infantile DEE. Last evaluated: 2019-03-07. Review status: criteria provided, single submitter. Criteria: Invitae Variant Classification Sherloc (09022015). Collection method: clinical testing. Allele origin: germline.